The following is an entry in ClinVar:

ClinVar aggregate classification (germline): Likely benign. Review status: criteria provided, multiple submitters, no conflicts (2 of 4 stars). 4 submissions from 4 submitters: Likely benign (3). 1 of the submissions does not count toward it. Last evaluated 2025-12-16.

Conditions:
ARID1A-related disorder. Also called: ARID1A-related condition.

Submissions (4):

Labcorp Genetics (formerly Invitae), Labcorp
Classification: Likely benign. Last evaluated: 2025-12-16. Review status: criteria provided, single submitter. Criteria: Invitae Variant Classification Sherloc (09022015). Collection method: clinical testing. Allele origin: germline.

Blueprint Genetics
Classification: Likely benign. Last evaluated: 2024-11-24. Review status: criteria provided, single submitter. Criteria: ACMG Guidelines, 2015. Collection method: clinical testing. Allele origin: germline.

GeneDx
Classification: Likely benign. Last evaluated: 2020-10-19. Review status: criteria provided, single submitter. Criteria: GeneDx Variant Classification Process June 2021. Collection method: clinical testing. Allele origin: germline. Affected: yes.

PreventionGenetics, part of Exact Sciences
Classification: Benign for ARID1A-related condition. Last evaluated: 2019-06-21. Review status: no assertion criteria provided. Collection method: clinical testing. Allele origin: germline. Not counted in ClinVar's aggregate classification.
Comment: This variant is classified as benign based on ACMG/AMP sequence variant interpretation guidelines (Richards et al. 2015 PMID: 25741868, with internal and published modifications).

NM_006015.6(ARID1A):c.48GCC[4] (p.Pro21del)

Gene: ARID1A (AT-rich interaction domain 1A; plus strand). Cytogenetic location: 1p36.11.
Variant type: Microsatellite.
Coding change: c.48GCC[4] on transcript NM_006015.6 (MANE Select); four copies in a row of the 3-base unit GCC starting at c.48; the reference has five copies in a row; one copy, 3 bases deleted.
Protein change: p.Pro21del; deletes proline 21.
Molecular consequence: inframe deletion.
Genome position (GRCh38, 1-based): chr1:26,696,463-26,696,465, GCC deleted; deleting any 3 consecutive bases within chr1:26,696,449-26,696,465 gives the same sequence; the position shown is the placement nearest the transcript's 3' end. VCF-style (leftmost placement, unchanged base first): chr1-26696448-CCCG-C. GRCh37 (hg19) VCF-style: chr1-27022939-CCCG-C.
Other names: c.46_48delCCG (NM_006015.4); c.60_62delGCC (NM_006015.4); c.48GCC[4], p.Pro21del (NM_139135.4); short protein forms P21del.
Identifiers: ClinVar variation 770843 (VCV000770843.12), dbSNP rs748085214, ClinGen allele CA706572.